The following is an entry in ClinVar:

ClinVar aggregate classification (germline): Uncertain significance (1 of 4 stars; one submission).

Conditions:
ALG12-congenital disorder of glycosylation (CDG1G). Also called: Congenital disorder of glycosylation, type Ig; CDG Ig; ALG12-CDG. Identifiers: Orphanet 79324, MedGen C2931001, MONDO:0011783, OMIM 607143.

Allele frequency attached by ClinVar (database versions not stated): gnomAD exomes below 0.00001; ExAC 0.00001; TOPMed 0.00001.
gnomAD v4.1: 2 of 1,614,162 alleles (0.00012%); highest among the groups gnomAD compares: Admixed American, 0.0017%; no homozygotes.

Submission:

Labcorp Genetics (formerly Invitae), Labcorp
Classification: Uncertain significance for ALG12-congenital disorder of glycosylation. Last evaluated: 2022-07-19. Review status: criteria provided, single submitter. Criteria: Invitae Variant Classification Sherloc (09022015). Collection method: clinical testing. Allele origin: germline.
Comment: In summary, the available evidence is currently insufficient to determine the role of this variant in disease. Therefore, it has been classified as a Variant of Uncertain Significance. Algorithms developed to predict the effect of missense changes on protein structure and function are either unavailable or do not agree on the potential impact of this missense change (SIFT: "Deleterious"; PolyPhen-2: "Probably Damaging"; Align-GVGD: "Class C0"). ClinVar contains an entry for this variant (Variation ID: 1509245). This variant has not been reported in the literature in individuals affected with ALG12-related conditions. This variant is present in population databases (rs779888121, gnomAD 0.003%). This sequence change replaces leucine, which is neutral and non-polar, with methionine, which is neutral and non-polar, at codon 45 of the ALG12 protein (p.Leu45Met).

NM_024105.4(ALG12):c.133C>A (p.Leu45Met)

Gene: ALG12 (ALG12 alpha-1,6-mannosyltransferase; minus strand). Cytogenetic location: 22q13.33.
Variant type: single nucleotide variant.
Coding change: c.133C>A on transcript NM_024105.4 (MANE Select); coding-DNA position 133, C replaced by A.
Protein change: p.Leu45Met; replaces leucine 45 with methionine.
Molecular consequence: missense variant.
Genome position (GRCh38, 1-based): chr22:49,913,633, G>T on the plus strand (C>A on the coding strand, the complement: ALG12 is on the minus strand). VCF-style: chr22-49913633-G-T. GRCh37 (hg19) VCF-style: chr22-50307281-G-T.
Other names: short protein forms L45M.
Identifiers: ClinVar variation 1509245 (VCV001509245.5), dbSNP rs779888121, ClinGen allele CA10300730.
Genomic context (GRCh38, chr22:49,913,633, plus strand): 5'-GTTTTCCCCAAAGACAGCAGGGGCCCCTCACCTGCTCCAGGTCTTGCCAGTGGTAGAGCA[G>T]GTCATGTGTGGCCTGCAGGTTGAAGCTCTCCTCCACTTTGGTGTAGGGACAGATGACCAG-3'
Protein context (NP_077010.1, residues 35-55): ESFNLQATHD[Leu45Met]LYHWQDLEQY